The following is an entry in ClinVar:

ClinVar aggregate classification (germline): Uncertain significance (1 of 4 stars; one submission).

Conditions:
Familial cancer of breast. Also called: Hereditary breast cancer; hereditary breast carcinoma; BREAST CANCER, FAMILIAL. Identifiers: Orphanet 227535, MedGen C0346153, MONDO:0016419, OMIM 114480. Disease mechanism: loss of function.

Submission:

Labcorp Genetics (formerly Invitae), Labcorp
Classification: Uncertain significance for Familial cancer of breast. Last evaluated: 2024-08-21. Review status: criteria provided, single submitter. Criteria: Invitae Variant Classification Sherloc (09022015). Collection method: clinical testing. Allele origin: germline.
Comment: This sequence change replaces glutamic acid, which is acidic and polar, with aspartic acid, which is acidic and polar, at codon 352 of the PALB2 protein (p.Glu352Asp). This variant is not present in population databases (gnomAD no frequency). This variant has not been reported in the literature in individuals affected with PALB2-related conditions. Invitae Evidence Modeling of protein sequence and biophysical properties (such as structural, functional, and spatial information, amino acid conservation, physicochemical variation, residue mobility, and thermodynamic stability) indicates that this missense variant is expected to disrupt PALB2 protein function with a positive predictive value of 80%. In summary, the available evidence is currently insufficient to determine the role of this variant in disease. Therefore, it has been classified as a Variant of Uncertain Significance.

NM_024675.4(PALB2):c.1056G>C (p.Glu352Asp)

Gene: PALB2 (partner and localizer of BRCA2; minus strand). Cytogenetic location: 16p12.2.
Variant type: single nucleotide variant.
Coding change: c.1056G>C on transcript NM_024675.4 (MANE Select); coding-DNA position 1056, G replaced by C.
Protein change: p.Glu352Asp; replaces glutamic acid 352 with aspartic acid.
Molecular consequence: missense variant. On other transcripts: intron variant (3).
Genome position (GRCh38, 1-based): chr16:23,635,490, C>G on the plus strand (G>C on the coding strand, the complement: PALB2 is on the minus strand). VCF-style: chr16-23635490-C-G. GRCh37 (hg19) VCF-style: chr16-23646811-C-G.
Other names: c.996G>C, p.Glu332Asp (NM_001407296.1); c.1056G>C, p.Glu352Asp (NM_001407297.1, NM_001407298.1, NM_001407299.1 and 3 more transcripts); c.171G>C, p.Glu57Asp (NM_001407304.1, NM_001407305.1, NM_001407306.1 and 5 more transcripts); c.48+5620G>C (NM_001407314.1); c.-104-5021G>C (NM_001407313.1, NM_001407312.1); short protein forms E352D, E57D, E332D.
Identifiers: ClinVar variation 3663147 (VCV003663147.2).